The following is an entry in ClinVar:

NM_001453.3(FOXC1):c.1486G>A (p.Gly496Ser)

Gene: FOXC1 (forkhead box C1; plus strand). Cytogenetic location: 6p25.3.
Variant type: single nucleotide variant.
Coding change: c.1486G>A on transcript NM_001453.3 (MANE Select); coding-DNA position 1486, G replaced by A.
Protein change: p.Gly496Ser; replaces glycine 496 with serine.
Molecular consequence: missense variant.
Genome position (GRCh38, 1-based): chr6:1,611,931, G>A. VCF-style: chr6-1611931-G-A. GRCh37 (hg19) VCF-style: chr6-1612166-G-A.
Other names: c.1486G>A (NM_001453.2); short protein forms G496S.
Identifiers: ClinVar variation 1355457 (VCV001355457.13), dbSNP rs775345164, ClinGen allele CA3614906.
Genomic context (GRCh38, chr6:1,611,931, plus strand): 5'-AACCAGGCGGGCGGAGACCTGGGCCACTTGGCGAGCGCGGCGGCGGCGGCGGCGGCCGCA[G>A]GCTACCCGGGCCAGCAGCAGAACTTCCACTCGGTGCGGGAGATGTTCGAGTCACAGAGGA-3'
Protein context (NP_001444.2, residues 486-506): ASAAAAAAAA[Gly496Ser]YPGQQQNFHS

ClinVar aggregate classification (germline): Conflicting classifications of pathogenicity. Review status: criteria provided, conflicting classifications (1 of 4 stars). 7 submissions from 7 submitters: Uncertain significance (5); Benign (1); Likely benign (1). Last evaluated 2025-07-14.

Conditions:
Axenfeld-Rieger syndrome type 3 (RIEG3). Also called: AXENFELD-RIEGER ANOMALY WITH CARDIAC DEFECTS AND/OR SENSORINEURAL HEARING LOSS. Identifiers: Orphanet 782, MedGen C2678503, MONDO:0011233, OMIM 602482.
Anterior segment dysgenesis 3 (ASGD3). Also called: Glaucoma iridogoniodysplasia, familial; IRIDOGONIODYSGENESIS ANOMALY, AUTOSOMAL DOMINANT. Identifiers: Orphanet 91483, MedGen C5975707, MONDO:0024456, OMIM 601631.
Inborn genetic diseases. Identifiers: MedGen C0950123, MeSH D030342.

Allele frequency attached by ClinVar (database versions not stated): gnomAD exomes 0.00008 and 0.00013; ExAC 0.00010; TOPMed 0.00011; gnomAD 0.00017.
gnomAD v4.1: 201 of 1,571,656 alleles (0.013%); highest among the groups gnomAD compares: Non-Finnish European, 0.016%; no homozygotes.

Submissions (7):

Labcorp Genetics (formerly Invitae), Labcorp
Classification: Uncertain significance for Axenfeld-Rieger syndrome type 3. Last evaluated: 2025-07-14. Review status: criteria provided, single submitter. Criteria: Invitae Variant Classification Sherloc (09022015). Collection method: clinical testing. Allele origin: germline.
Comment: This sequence change replaces glycine, which is neutral and non-polar, with serine, which is neutral and polar, at codon 496 of the FOXC1 protein (p.Gly496Ser). This variant is present in population databases (rs775345164, gnomAD 0.02%). This variant has not been reported in the literature in individuals affected with FOXC1-related conditions. ClinVar contains an entry for this variant (Variation ID: 1355457). An algorithm developed to predict the effect of missense changes on protein structure and function (PolyPhen-2) suggests that this variant is likely to be disruptive. In summary, the available evidence is currently insufficient to determine the role of this variant in disease. Therefore, it has been classified as a Variant of Uncertain Significance.

Laboratory of Genetics, Children's Clinical University Hospital Latvia
Classification: Benign. Last evaluated: 2025-02-16. Review status: criteria provided, single submitter. Criteria: ACMG Guidelines, 2015. Collection method: clinical testing. Allele origin: germline. Affected: yes.

Blueprint Genetics
Classification: Uncertain significance. Last evaluated: 2024-10-31. Review status: criteria provided, single submitter. Criteria: ACMG Guidelines, 2015. Collection method: clinical testing. Allele origin: germline.

GeneDx
Classification: Uncertain significance. Last evaluated: 2024-04-01. Review status: criteria provided, single submitter. Criteria: GeneDx Variant Classification Process June 2021. Collection method: clinical testing. Allele origin: germline. Affected: yes.
Comment: In silico analysis supports that this missense variant does not alter protein structure/function; Has not been previously published as pathogenic or benign to our knowledge

Fulgent Genetics
Classification: Likely benign for Anterior segment dysgenesis 3; Axenfeld-Rieger syndrome type 3. Last evaluated: 2024-03-25. Review status: criteria provided, single submitter. Criteria: ACMG Guidelines, 2015. Collection method: clinical testing. Allele origin: germline.

Ambry Genetics
Classification: Uncertain significance for Inborn genetic diseases. Last evaluated: 2021-07-09. Review status: criteria provided, single submitter. Criteria: Ambry Variant Classification Scheme 2023. Collection method: clinical testing. Allele origin: germline.

Revvity Omics, Revvity
Classification: Uncertain significance. Last evaluated: 2020-04-22. Review status: criteria provided, single submitter. Criteria: ACMG Guidelines, 2015. Collection method: clinical testing. Allele origin: germline.